The following is an entry in ClinVar:

NM_206933.4(USH2A):c.5494G>T (p.Val1832Leu)

Genes: USH2A (usherin; minus strand), USH2A-AS2 (USH2A antisense RNA 2; plus strand). Cytogenetic location: 1q41.
Variant type: single nucleotide variant.
Coding change: c.5494G>T on transcript NM_206933.4 (MANE Select); coding-DNA position 5494, G replaced by T.
Protein change: p.Val1832Leu; replaces valine 1832 with leucine.
Molecular consequence: missense variant.
Genome position (GRCh38, 1-based): chr1:216,078,167, C>A on the plus strand (G>T on the coding strand, the complement: USH2A is on the minus strand). VCF-style: chr1-216078167-C-A. GRCh37 (hg19) VCF-style: chr1-216251509-C-A.
Other names: short protein forms V1832L.
Identifiers: ClinVar variation 2573942 (VCV002573942.1), dbSNP rs777952975, ClinGen allele CA1395437.

ClinVar aggregate classification (germline): Uncertain significance (1 of 4 stars; one submission).

Allele frequency attached by ClinVar (database versions not stated): ExAC 0.00001; gnomAD 0.00001.
gnomAD v4.1: 4 of 1,613,654 alleles (0.00025%); highest among the groups gnomAD compares: East Asian, 0.0022%; no homozygotes.

Submission:

GeneDx
Classification: Uncertain significance. Last evaluated: 2023-01-18. Review status: criteria provided, single submitter. Criteria: GeneDx Variant Classification Process June 2021. Collection method: clinical testing. Allele origin: germline. Affected: yes.
Comment: Not observed at significant frequency in large population cohorts (gnomAD); In silico analysis supports that this missense variant does not alter protein structure/function; Has not been previously published as pathogenic or benign to our knowledge